The following is an entry in ClinVar:

ClinVar aggregate classification (germline): Uncertain significance (1 of 4 stars; one submission).

Submission:

GeneDx
Classification: Uncertain significance. Last evaluated: 2019-04-23. Review status: criteria provided, single submitter. Criteria: GeneDx Variant Classification Process June 2021. Collection method: clinical testing. Allele origin: germline. Affected: yes.
Comment: Not observed in large population cohorts (Lek et al., 2016); The majority of missense variants in this gene are considered pathogenic (Stenson et al., 2014); In silico analysis, which includes protein predictors and evolutionary conservation, supports that this variant does not alter protein structure/function; Has not been previously published as pathogenic or benign to our knowledge

NM_130839.5(UBE3A):c.676C>T (p.Pro226Ser)

Genes: SNHG14 (small nucleolar RNA host gene 14; plus strand), UBE3A (ubiquitin protein ligase E3A; minus strand). Cytogenetic location: 15q11.2.
Variant type: single nucleotide variant.
Coding change: c.676C>T on transcript NM_130839.5 (MANE Select); coding-DNA position 676, C replaced by T.
Protein change: p.Pro226Ser; replaces proline 226 with serine.
Molecular consequence: missense variant. On other transcripts: non-coding transcript variant (1), intron variant (2).
Genome position (GRCh38, 1-based): chr15:25,371,498, G>A on the plus strand (C>T on the coding strand, the complement: UBE3A is on the minus strand). VCF-style: chr15-25371498-G-A. GRCh37 (hg19) VCF-style: chr15-25616645-G-A.
Other names: c.301+3967C>T (NM_001354551.2); c.361+3967C>T (NM_001354550.2); c.616C>T, p.Pro206Ser (NM_001354547.2, NM_001354548.2, NM_001354549.2 and 17 more transcripts); c.685C>T, p.Pro229Ser (NM_000462.5); c.676C>T, p.Pro226Ser (NM_001354505.1, NM_001354538.2, NM_001354545.2); c.499C>T, p.Pro167Ser (NM_001354546.2); short protein forms P167S, P206S, P226S, P229S.
Identifiers: ClinVar variation 1305052 (VCV001305052.2), dbSNP rs2152822794, ClinGen allele CA391355319.
Genomic context (GRCh38, chr15:25,371,498, plus strand): 5'-TAGAGAGCAATCTGGTGTAGACCCTTCTAATGGCATCAATATCCACAGACACATCATCAG[G>A]GCCTAATTTTTGCAAATTGTTGTCTCCCTGTGAGCTATCACCTATCCTTGAGGAAGATGC-3'
Protein context (NP_570854.1, residues 216-236): QGDNNLQKLG[Pro226Ser]DDVSVDIDAI